The following is an entry in ClinVar:

NM_000501.4(ELN):c.1956C>T (p.Val652=)

Gene: ELN (elastin; plus strand). Cytogenetic location: 7q11.23.
Variant type: single nucleotide variant.
Coding change: c.1956C>T on transcript NM_000501.4 (MANE Select); coding-DNA position 1956, C replaced by T.
Protein change: p.Val652=; no amino-acid change (valine 652 retained).
Molecular consequence: synonymous variant.
Genome position (GRCh38, 1-based): chr7:74,063,658, C>T. VCF-style: chr7-74063658-C-T. GRCh37 (hg19) VCF-style: chr7-73477988-C-T.
Other names: c.1869C>T, p.Val623= (NM_001081752.3); c.1914C>T, p.Val638= (NM_001081753.3); c.1971C>T, p.Val657= (NM_001081754.3); c.1899C>T, p.Val633= (NM_001081755.3); c.1956C>T, p.Val652= (NM_001278912.2); c.1713C>T, p.Val571= (NM_001278913.2); c.1884C>T, p.Val628= (NM_001278914.2); c.1974C>T, p.Val658= (NM_001278915.2); and 4 more.
Identifiers: ClinVar variation 509693 (VCV000509693.4), dbSNP rs1469217967, ClinGen allele CA455887223.
Genomic context (GRCh38, chr7:74,063,658, plus strand): 5'-CTAATGCTCAGCTGTCTCCACAGGCCTAGTGGGAGCCGCTGGGCTCGGAGGACTCGGAGT[C>T]GGAGGGCTTGGAGTTCCAGGTGTTGGGGGCCTTGGAGGTGAGAGTTGTTCTGAAATCAGT-3'
Protein context (NP_000492.2, residues 642-662): VGAAGLGGLG[Val652=]GGLGVPGVGG

ClinVar aggregate classification (germline): Likely benign. Review status: criteria provided, multiple submitters, no conflicts (2 of 4 stars). 2 submissions from 2 submitters: Likely benign (2). Last evaluated 2024-08-15.

Conditions:
Supravalvar aortic stenosis (SVAS). Also called: Supravalvar aortic stenosis, Eisenberg type. Identifiers: Orphanet 3193, MedGen C0003499, MONDO:0008504, OMIM 185500, HP:0004381.

Allele frequency attached by ClinVar (database versions not stated): gnomAD 0.00001; TOPMed 0.00001.
gnomAD v4.1: 37 of 1,613,430 alleles (0.0023%); highest among the groups gnomAD compares: Non-Finnish European, 0.003%; no homozygotes.

Submissions (2):

Labcorp Genetics (formerly Invitae), Labcorp
Classification: Likely benign for Supravalvar aortic stenosis. Last evaluated: 2024-08-15. Review status: criteria provided, single submitter. Criteria: Invitae Variant Classification Sherloc (09022015). Collection method: clinical testing. Allele origin: germline.

GeneDx
Classification: Likely benign. Last evaluated: 2017-05-18. Review status: criteria provided, single submitter. Criteria: GeneDx Variant Classification (06012015). Collection method: clinical testing. Allele origin: germline. Affected: yes.
Comment: This variant is considered likely benign or benign based on one or more of the following criteria: it is a conservative change, it occurs at a poorly conserved position in the protein, it is predicted to be benign by multiple in silico algorithms, and/or has population frequency not consistent with disease.